The following is an entry in ClinVar:

NM_001127208.3(TET2):c.3317_3318del (p.Glu1106fs)

Genes: TET2 (tet methylcytosine dioxygenase 2; plus strand), TET2-AS1 (TET2 antisense RNA 1; minus strand). Cytogenetic location: 4q24.
Variant type: Microsatellite.
Coding change: c.3317_3318del on transcript NM_001127208.3 (MANE Select); coding-DNA positions 3317 to 3318, 2 bases deleted (AG; older notation c.3317_3318delAG).
Protein change: p.Glu1106fs; shifts the reading frame from glutamic acid 1106.
Molecular consequence: frameshift variant.
Genome position (GRCh38, 1-based): chr4:105,237,259-105,237,260, AG deleted; deleting any 2 consecutive bases within chr4:105,237,257-105,237,260 gives the same sequence; the c. name uses the placement nearest the transcript's 3' end. VCF-style (leftmost placement, unchanged base first): chr4-105237256-TAG-T. GRCh37 (hg19) VCF-style: chr4-106158413-TAG-T.
Other names: c.3317_3318del, p.Glu1106fs (NM_017628.4); short protein forms E1106fs.
Identifiers: ClinVar variation 2979375 (VCV002979375.3), dbSNP rs2476510505, ClinGen allele CA645522501.
Genomic context (GRCh38, chr4:105,237,256, plus strand): 5'-CAACTTCTTCAGAAAAGACACCAACCAAAAGAACAGCTGCTTCTGTTCTCAATAATTTTA[TAG>T]AGTCACCTTCCAAATTACTAGATACTCCTATAAAAAATTTATTGGATACACCTGTCAAGA-3'

ClinVar aggregate classification (germline): Pathogenic (1 of 4 stars; one submission).

Submission:

Labcorp Genetics (formerly Invitae), Labcorp
Classification: Pathogenic. Last evaluated: 2023-10-19. Review status: criteria provided, single submitter. Criteria: Invitae Variant Classification Sherloc (09022015). Collection method: clinical testing. Allele origin: germline.
Comment: This sequence change creates a premature translational stop signal (p.Glu1106Valfs*23) in the TET2 gene. It is expected to result in an absent or disrupted protein product. Loss-of-function variants in TET2 are known to be pathogenic (PMID: 36066697). This variant is not present in population databases (gnomAD no frequency). This variant has not been reported in the literature in individuals affected with TET2-related conditions. Algorithms developed to predict the effect of sequence changes on RNA splicing suggest that this variant may disrupt the consensus splice site. For these reasons, this variant has been classified as Pathogenic.

Literature cited by the submitters: PubMed 36066697.